The following is an entry in ClinVar:

ClinVar aggregate classification (germline): Uncertain significance. Review status: criteria provided, multiple submitters, no conflicts (2 of 4 stars). 2 submissions from 2 submitters: Uncertain significance (2). Last evaluated 2025-03-13.

Submissions (2):

Labcorp Genetics (formerly Invitae), Labcorp
Classification: Uncertain significance. Last evaluated: 2025-03-13. Review status: criteria provided, single submitter. Criteria: Invitae Variant Classification Sherloc (09022015). Collection method: clinical testing. Allele origin: germline.
Comment: This sequence change replaces proline, which is neutral and non-polar, with leucine, which is neutral and non-polar, at codon 517 of the IL2RB protein (p.Pro517Leu). This variant is present in population databases (rs558884429, gnomAD 0.007%). This variant has not been reported in the literature in individuals affected with IL2RB-related conditions. ClinVar contains an entry for this variant (Variation ID: 3285858). An algorithm developed to predict the effect of missense changes on protein structure and function (PolyPhen-2) suggests that this variant is likely to be tolerated. In summary, the available evidence is currently insufficient to determine the role of this variant in disease. Therefore, it has been classified as a Variant of Uncertain Significance.

Ambry Genetics
Classification: Uncertain significance. Last evaluated: 2024-06-07. Review status: criteria provided, single submitter. Criteria: Ambry Variant Classification Scheme 2023. Collection method: clinical testing. Allele origin: germline.

NM_000878.5(IL2RB):c.1550C>T (p.Pro517Leu)

Gene: IL2RB (interleukin 2 receptor subunit beta; minus strand). Cytogenetic location: 22q12.3.
Variant type: single nucleotide variant.
Coding change: c.1550C>T on transcript NM_000878.5 (MANE Select); coding-DNA position 1550, C replaced by T.
Protein change: p.Pro517Leu; replaces proline 517 with leucine.
Molecular consequence: missense variant.
Genome position (GRCh38, 1-based): chr22:37,128,202, G>A on the plus strand (C>T on the coding strand, the complement: IL2RB is on the minus strand). VCF-style: chr22-37128202-G-A. GRCh37 (hg19) VCF-style: chr22-37524242-G-A.
Other names: c.1550C>T, p.Pro517Leu (NM_001346222.1, NM_001346223.2); short protein forms P517L.
Identifiers: ClinVar variation 3285858 (VCV003285858.2).